The following is an entry in ClinVar:

NM_000059.4(BRCA2):c.1055A>G (p.Tyr352Cys)

Gene: BRCA2 (BRCA2 DNA repair associated; plus strand). Cytogenetic location: 13q13.1.
Variant type: single nucleotide variant.
Coding change: c.1055A>G on transcript NM_000059.4 (MANE Select); coding-DNA position 1055, A replaced by G.
Protein change: p.Tyr352Cys; replaces tyrosine 352 with cysteine.
Molecular consequence: missense variant.
Genome position (GRCh38, 1-based): chr13:32,332,533, A>G. VCF-style: chr13-32332533-A-G. GRCh37 (hg19) VCF-style: chr13-32906670-A-G.
Other names: short protein forms Y352C.
Identifiers: ClinVar variation 1020140 (VCV001020140.10), dbSNP rs2072403426, ClinGen allele CA387761309.

ClinVar aggregate classification (germline): Conflicting classifications of pathogenicity. Review status: criteria provided, conflicting classifications (1 of 4 stars). 2 submissions from 2 submitters: Uncertain significance (1); Likely benign (1). Last evaluated 2023-03-23.

Conditions:
Hereditary cancer-predisposing syndrome. Also called: Tumor predisposition; Neoplastic Syndromes, Hereditary; Hereditary neoplastic syndrome; Hereditary Cancer Syndrome. Identifiers: Orphanet 140162, MedGen C0027672, MeSH D009386, MONDO:0015356.
Hereditary breast ovarian cancer syndrome. Also called: BRCA1- and BRCA2-Associated Hereditary Breast and Ovarian Cancer; Hereditary breast and/or ovarian cancer syndrome; Hereditary breast and ovarian cancer syndrome; Hereditary breast and ovarian cancer; Hereditary breast and ovarian cancer syndrome (HBOC); Breast and ovarian cancer. Identifiers: Orphanet 145, MedGen C0677776, MeSH D061325, MONDO:0003582. Disease mechanism: loss of function.

Submissions (2):

University of Washington Department of Laboratory Medicine, University of Washington
Classification: Likely benign for Hereditary cancer-predisposing syndrome. Last evaluated: 2023-03-23. Review status: criteria provided, single submitter. Criteria: Dines et al. (Genet Med. 2020). Collection method: curation. Allele origin: germline.
Comment: Missense variant in a coldspot region where missense variants are very unlikely to be pathogenic (PMID:31911673).

BRCA2 exon 10 coldspot. Reclassification based on statistical prior probability.

Labcorp Genetics (formerly Invitae), Labcorp
Classification: Uncertain significance for Hereditary breast ovarian cancer syndrome. Last evaluated: 2022-07-26. Review status: criteria provided, single submitter. Criteria: Invitae Variant Classification Sherloc (09022015). Collection method: clinical testing. Allele origin: germline.
Comment: This variant is not present in population databases (gnomAD no frequency). In summary, the available evidence is currently insufficient to determine the role of this variant in disease. Therefore, it has been classified as a Variant of Uncertain Significance. Advanced modeling of protein sequence and biophysical properties (such as structural, functional, and spatial information, amino acid conservation, physicochemical variation, residue mobility, and thermodynamic stability) performed at Invitae indicates that this missense variant is not expected to disrupt BRCA2 protein function. ClinVar contains an entry for this variant (Variation ID: 1020140). This variant has not been reported in the literature in individuals affected with BRCA2-related conditions. This sequence change replaces tyrosine, which is neutral and polar, with cysteine, which is neutral and slightly polar, at codon 352 of the BRCA2 protein (p.Tyr352Cys).